The following is an entry in ClinVar:

NM_000423.3(KRT2):c.823C>G (p.Arg275Gly)

Gene: KRT2 (keratin 2; minus strand). Cytogenetic location: 12q13.13.
Variant type: single nucleotide variant.
Coding change: c.823C>G on transcript NM_000423.3 (MANE Select); coding-DNA position 823, C replaced by G.
Protein change: p.Arg275Gly; replaces arginine 275 with glycine.
Molecular consequence: missense variant.
Genome position (GRCh38, 1-based): chr12:52,649,952, G>C on the plus strand (C>G on the coding strand, the complement: KRT2 is on the minus strand). VCF-style: chr12-52649952-G-C. GRCh37 (hg19) VCF-style: chr12-53043736-G-C.
Other names: short protein forms R275G.
Identifiers: ClinVar variation 882580 (VCV000882580.4), dbSNP rs2232551, ClinGen allele CA6585710.
Genomic context (GRCh38, chr12:52,649,952, plus strand): 5'-GCCAAGACATTCTCTCGCTCACCTTTTTAAGCGTCACAAAATCATTCTCAGCAGCTGTGC[G>C]CTTATTGATTTCATCCTCATACCTATTGGGACACAGATGTTACAGCAGTTAGATTAGTTC-3'
Protein context (NP_000414.2, residues 265-285): KKKYEDEINK[Arg275Gly]TAAENDFVTL

ClinVar aggregate classification (germline): Benign (1 of 4 stars; one submission).

Conditions:
Ichthyosis bullosa of Siemens (IBS). Also called: Superficial epidermolytic ichthyosis. Identifiers: Orphanet 455, MedGen C0432306, MONDO:0007813, OMIM 146800.

Allele frequency attached by ClinVar (database versions not stated): gnomAD 0.00001; ExAC 0.00002; gnomAD exomes 0.00002.
gnomAD v4.1: 64 of 1,613,020 alleles (0.004%); highest among the groups gnomAD compares: East Asian, 0.14%; no homozygotes.

Submission:

Illumina Laboratory Services, Illumina
Classification: Benign for Ichthyosis bullosa of Siemens. Last evaluated: 2018-01-12. Review status: criteria provided, single submitter. Criteria: ICSL Variant Classification Criteria 13 December 2019. Collection method: clinical testing. Allele origin: germline.
Comment: This variant was observed in the ICSL laboratory as part of a predisposition screen in an ostensibly healthy population. It had not been previously curated by ICSL or reported in the Human Gene Mutation Database (HGMD: prior to June 1st, 2018), and was therefore a candidate for classification through an automated scoring system. Utilizing variant allele frequency, disease prevalence and penetrance estimates, and inheritance mode, an automated score was calculated to assess if this variant is too frequent to cause the disease. Based on the score and internal cut-off values, a variant classified as benign is not then subjected to further curation. The score for this variant resulted in a classification of benign for this disease.